The following is an entry in ClinVar:

NM_000285.4(PEPD):c.1313A>G (p.Glu438Gly)

Gene: PEPD (peptidase D; minus strand). Cytogenetic location: 19q13.11.
Variant type: single nucleotide variant.
Coding change: c.1313A>G on transcript NM_000285.4 (MANE Select); coding-DNA position 1313, A replaced by G.
Protein change: p.Glu438Gly; replaces glutamic acid 438 with glycine.
Molecular consequence: missense variant.
Genome position (GRCh38, 1-based): chr19:33,387,921, T>C on the plus strand (A>G on the coding strand, the complement: PEPD is on the minus strand). VCF-style: chr19-33387921-T-C. GRCh37 (hg19) VCF-style: chr19-33878827-T-C.
Other names: c.1190A>G, p.Glu397Gly (NM_001166056.2); c.1121A>G, p.Glu374Gly (NM_001166057.2); short protein forms E374G, E397G, E438G.
Identifiers: ClinVar variation 1376254 (VCV001376254.3), dbSNP rs1484103189, ClinGen allele CA405220214.
Genomic context (GRCh38, chr19:33,387,921, plus strand): 5'-GAGCAAGAATGGGGCCCGTGGGCACTCACCCCGCCAAAACCGCGAAAGCGCTGCAGGACC[T>C]CGCGGTTAAGGAAGGAGGCGCGGGCCGGGTCCGCCAGGGCCTCATCCAGGAGGTGGTCGA-3'
Protein context (NP_000276.2, residues 428-448): DPARASFLNR[Glu438Gly]VLQRFRGFGG

ClinVar aggregate classification (germline): Uncertain significance (1 of 4 stars; one submission).

Allele frequency attached by ClinVar (database versions not stated): gnomAD exomes below 0.00001.
gnomAD v4.1: 2 of 1,589,990 alleles (0.00013%); highest among the groups gnomAD compares: East Asian, 0.0023%; no homozygotes.

Submission:

Labcorp Genetics (formerly Invitae), Labcorp
Classification: Uncertain significance. Last evaluated: 2022-10-25. Review status: criteria provided, single submitter. Criteria: Invitae Variant Classification Sherloc (09022015). Collection method: clinical testing. Allele origin: germline.
Comment: This sequence change replaces glutamic acid, which is acidic and polar, with glycine, which is neutral and non-polar, at codon 438 of the PEPD protein (p.Glu438Gly). This variant is not present in population databases (gnomAD no frequency). This variant has not been reported in the literature in individuals affected with PEPD-related conditions. ClinVar contains an entry for this variant (Variation ID: 1376254). Algorithms developed to predict the effect of missense changes on protein structure and function (SIFT, PolyPhen-2, Align-GVGD) all suggest that this variant is likely to be tolerated. In summary, the available evidence is currently insufficient to determine the role of this variant in disease. Therefore, it has been classified as a Variant of Uncertain Significance.